The following is an entry in ClinVar:

NM_000536.4(RAG2):c.470G>C (p.Gly157Ala)

Gene: RAG2 (recombination activating 2; minus strand). Cytogenetic location: 11p12.
Variant type: single nucleotide variant.
Coding change: c.470G>C on transcript NM_000536.4 (MANE Select); coding-DNA position 470, G replaced by C.
Protein change: p.Gly157Ala; replaces glycine 157 with alanine.
Molecular consequence: missense variant.
Genome position (GRCh38, 1-based): chr11:36,593,699, C>G on the plus strand (G>C on the coding strand, the complement: RAG2 is on the minus strand). VCF-style: chr11-36593699-C-G. GRCh37 (hg19) VCF-style: chr11-36615249-C-G.
Other names: c.470G>C, p.Gly157Ala (NM_001243785.2, NM_001243786.2); short protein forms G157A.
Identifiers: ClinVar variation 1484900 (VCV001484900.6), dbSNP rs1564997121, ClinGen allele CA380142921.
Genomic context (GRCh38, chr11:36,593,699, plus strand): 5'-TCAGCTACACTATTCCATTTTTCTGTGGTTCTGTGGGTAGAAGGCATGTATGAGCGTCCT[C>G]CAAAGAGAACACCCATACTTTTCCCTCGGCTGTACACCACATTAATGGAATGACCATATC-3'
Protein context (NP_000527.2, residues 147-167): SRGKSMGVLF[Gly157Ala]GRSYMPSTHR

ClinVar aggregate classification (germline): Likely pathogenic (1 of 4 stars; one submission).

Conditions:
Severe combined immunodeficiency, autosomal recessive, T cell-negative, B cell-negative, NK cell-positive. Also called: SCID, T CELL-NEGATIVE, B CELL-NEGATIVE, NK CELL-POSITIVE; SCID, AR, T-cell negative, B-cell negative, NK cell-positive; Severe combined immunodeficiency due to complete RAG1/2 deficiency. Identifiers: Orphanet 331206, MedGen C1832322, MONDO:0011086, OMIM 601457.
Combined immunodeficiency with skin granulomas. Identifiers: Orphanet 157949, MedGen C2673536, MONDO:0009306, OMIM 233650.

Submission:

Labcorp Genetics (formerly Invitae), Labcorp
Classification: Likely pathogenic for Combined immunodeficiency with skin granulomas; Severe combined immunodeficiency, autosomal recessive, T cell-negative, B cell-negative, NK cell-positive. Last evaluated: 2021-11-15. Review status: criteria provided, single submitter. Criteria: Invitae Variant Classification Sherloc (09022015). Collection method: clinical testing. Allele origin: germline.
Comment: Advanced modeling of protein sequence and biophysical properties (such as structural, functional, and spatial information, amino acid conservation, physicochemical variation, residue mobility, and thermodynamic stability) performed at Invitae indicates that this missense variant is expected to disrupt RAG2 protein function. In summary, the currently available evidence indicates that the variant is pathogenic, but additional data are needed to prove that conclusively. Therefore, this variant has been classified as Likely Pathogenic. This variant disrupts the p.Gly157 amino acid residue in RAG2. Other variant(s) that disrupt this residue have been determined to be pathogenic (PMID: 21624848, 29772310, 31838659). This suggests that this residue is clinically significant, and that variants that disrupt this residue are likely to be disease-causing. Algorithms developed to predict the effect of sequence changes on RNA splicing suggest that this variant may create or strengthen a splice site. This variant has not been reported in the literature in individuals affected with RAG2-related conditions. This variant is not present in population databases (gnomAD no frequency). This sequence change replaces glycine, which is neutral and non-polar, with alanine, which is neutral and non-polar, at codon 157 of the RAG2 protein (p.Gly157Ala).

Literature cited by the submitters: PubMed 21624848; PubMed 29772310; PubMed 31838659.